The following is an entry in ClinVar:

ClinVar aggregate classification (germline): Benign. Review status: criteria provided, multiple submitters, no conflicts (2 of 4 stars). 2 submissions from 2 submitters: Benign (2). Last evaluated 2018-01-13.

Conditions:
Cataract 5 multiple types (CTRCT5). Also called: Lamellar cataract; CATARACT 5, LAMELLAR; CATARACT, MARNER TYPE. Identifiers: Orphanet 91492, MedGen C0266537, MONDO:0007290, OMIM 116800, HP:0007971.

Allele frequency attached by ClinVar (database versions not stated): gnomAD 0.00105 and 0.00111; gnomAD exomes 0.00134 and 0.00154; ExAC 0.00424; 1000 Genomes Project 0.00080.

Submissions (2):

Illumina Laboratory Services, Illumina
Classification: Benign for Cataract 5 multiple types. Last evaluated: 2018-01-13. Review status: criteria provided, single submitter. Criteria: ICSL Variant Classification Criteria 13 December 2019. Collection method: clinical testing. Allele origin: germline.
Comment: This variant was observed in the ICSL laboratory as part of a predisposition screen in an ostensibly healthy population. It had not been previously curated by ICSL or reported in the Human Gene Mutation Database (HGMD: prior to June 1st, 2018), and was therefore a candidate for classification through an automated scoring system. Utilizing variant allele frequency, disease prevalence and penetrance estimates, and inheritance mode, an automated score was calculated to assess if this variant is too frequent to cause the disease. Based on the score and internal cut-off values, a variant classified as benign is not then subjected to further curation. The score for this variant resulted in a classification of benign for this disease.

Breakthrough Genomics
Classification: Benign. Review status: criteria provided, single submitter. Criteria: ACMG Guidelines, 2015. Collection method: not provided. Allele origin: germline. Inheritance: Autosomal dominant inheritance. Affected: yes.

NM_001538.4(HSF4):c.-223C>T

Genes: HSF4 (heat shock transcription factor 4; plus strand), LOC125177334 (Sharpr-MPRA regulatory region 11796; plus strand). Cytogenetic location: 16q22.1.
Variant type: single nucleotide variant.
Coding change: c.-223C>T on transcript NM_001538.4; 223 bases upstream of the start codon, C replaced by T.
Molecular consequence: 5 prime UTR variant.
Genome position (GRCh38, 1-based): chr16:67,164,589, C>T. VCF-style: chr16-67164589-C-T. GRCh37 (hg19) VCF-style: chr16-67198492-C-T.
Other names: c.-223C>T (NM_001040667.3).
Identifiers: ClinVar variation 320172 (VCV000320172.8), dbSNP rs192479571, ClinGen allele CA8101653.